The following is an entry in ClinVar:

NM_001303256.3(MORC2):c.1073+13C>G

Gene: MORC2 (MORC family CW-type zinc finger 2; minus strand). Cytogenetic location: 22q12.2.
Variant type: single nucleotide variant.
Coding change: c.1073+13C>G on transcript NM_001303256.3 (MANE Select); 13 bases into the intron after coding-DNA position 1073, C replaced by G.
Molecular consequence: intron variant.
Genome position (GRCh38, 1-based): chr22:30,939,608, G>C on the plus strand (C>G on the coding strand, the complement: MORC2 is on the minus strand). VCF-style: chr22-30939608-G-C. GRCh37 (hg19) VCF-style: chr22-31335595-G-C.
Other names: c.1073+13C>G (NM_001303257.2); c.887+13C>G (NM_014941.3).
Identifiers: ClinVar variation 2158787 (VCV002158787.6), dbSNP rs1324713588, ClinGen allele CA639030764.

ClinVar aggregate classification (germline): Likely benign. Review status: criteria provided, multiple submitters, no conflicts (2 of 4 stars). 2 submissions from 2 submitters: Likely benign (2). Last evaluated 2025-04-21.

Conditions:
Charcot-Marie-Tooth disease axonal type 2Z. Also called: CHARCOT-MARIE-TOOTH DISEASE, AXONAL, AUTOSOMAL DOMINANT, TYPE 2Z; CHARCOT-MARIE-TOOTH NEUROPATHY, TYPE 2Z. Identifiers: Orphanet 466768, MedGen C5569025, MONDO:0014736, OMIM 616688.

gnomAD v4.1: 6 of 1,613,434 alleles (0.00037%); highest among the groups gnomAD compares: Admixed American, 0.0067%; no homozygotes.

Submissions (2):

Women's Health and Genetics/Laboratory Corporation of America, LabCorp
Classification: Likely benign. Last evaluated: 2025-04-21. Review status: criteria provided, single submitter. Criteria: LabCorp Variant Classification Summary - May 2015. Collection method: clinical testing. Allele origin: germline.
Comment: Variant summary: MORC2 c.1073+13C>G alters a non-conserved nucleotide located at a position not widely known to affect splicing. Consensus agreement among computation tools predict no significant impact on normal splicing. However, these predictions have yet to be confirmed by functional studies. The variant allele was found at a frequency of 3.7e-06 in 1606442 control chromosomes. The available data on variant occurrences in the general population are insufficient to allow any conclusion about variant significance. To our knowledge, no occurrence of c.1073+13C>G in individuals affected with Charcot-Marie-Tooth disease axonal type 2Z and no experimental evidence demonstrating its impact on protein function have been reported. ClinVar contains an entry for this variant (Variation ID: 2158787). Based on the evidence outlined above, the variant was classified as likely benign.

Labcorp Genetics (formerly Invitae), Labcorp
Classification: Likely benign for Charcot-Marie-Tooth disease axonal type 2Z. Last evaluated: 2024-06-30. Review status: criteria provided, single submitter. Criteria: Invitae Variant Classification Sherloc (09022015). Collection method: clinical testing. Allele origin: germline.